The following is an entry in ClinVar:

ClinVar aggregate classification (germline): Pathogenic (1 of 4 stars; one submission).

Submission:

Labcorp Genetics (formerly Invitae), Labcorp
Classification: Pathogenic. Last evaluated: 2023-10-09. Review status: criteria provided, single submitter. Criteria: Invitae Variant Classification Sherloc (09022015). Collection method: clinical testing. Allele origin: germline.
Comment: This sequence change creates a premature translational stop signal (p.Arg66Profs*13) in the ATP6V0A4 gene. It is expected to result in an absent or disrupted protein product. Loss-of-function variants in ATP6V0A4 are known to be pathogenic (PMID: 12414817, 16611712). This variant is not present in population databases (gnomAD no frequency). This variant has not been reported in the literature in individuals affected with ATP6V0A4-related conditions. Algorithms developed to predict the effect of sequence changes on RNA splicing suggest that this variant may disrupt the consensus splice site. For these reasons, this variant has been classified as Pathogenic.

Literature cited by the submitters: PubMed 12414817; PubMed 16611712.

NM_020632.3(ATP6V0A4):c.195_196dup (p.Arg66fs)

Gene: ATP6V0A4 (ATPase H+ transporting V0 subunit a4; minus strand). Cytogenetic location: 7q34.
Variant type: Duplication.
Coding change: c.195_196dup on transcript NM_020632.3 (MANE Select); coding-DNA positions 195 to 196, 2 bases duplicated (CC; older notation c.195_196dupCC).
Protein change: p.Arg66fs; shifts the reading frame from arginine 66.
Molecular consequence: frameshift variant.
Genome position (GRCh38, 1-based): chr7:138,769,173-138,769,174, GG duplicated on the plus strand (CC on the coding strand, the reverse complement: ATP6V0A4 is on the minus strand). VCF-style (leftmost placement, unchanged base first): chr7-138769172-C-CGG. GRCh37 (hg19) VCF-style: chr7-138453917-C-CGG.
Other names: c.195_196dup, p.Arg66fs (NM_130840.3, NM_130841.3); short protein forms R66fs.
Identifiers: ClinVar variation 2767196 (VCV002767196.3), dbSNP rs2485286473, ClinGen allele CA2697557634.